The following is an entry in ClinVar:

ClinVar aggregate classification (germline): Uncertain significance (1 of 4 stars; one submission).

Conditions:
BAP1-related tumor predisposition syndrome (TPDS1). Also called: Tumor susceptibility linked to germline BAP1 mutations; COMMON Syndrome; BAP1 tumor predisposition syndrome; TUMOR PREDISPOSITION SYNDROME 1. Identifiers: Orphanet 289539, MedGen C3280492, MONDO:0013692, OMIM 614327.

Allele frequency attached by ClinVar (database versions not stated): gnomAD exomes below 0.00001.
gnomAD v4.1: 4 of 1,613,708 alleles (0.00025%); highest among the groups gnomAD compares: South Asian, 0.0044%; no homozygotes.

Submission:

Labcorp Genetics (formerly Invitae), Labcorp
Classification: Uncertain significance for BAP1-related tumor predisposition syndrome. Last evaluated: 2025-08-13. Review status: criteria provided, single submitter. Criteria: Invitae Variant Classification Sherloc (09022015). Collection method: clinical testing. Allele origin: germline.
Comment: This sequence change replaces valine, which is neutral and non-polar, with alanine, which is neutral and non-polar, at codon 569 of the BAP1 protein (p.Val569Ala). This variant is present in population databases (no rsID available, gnomAD 0.003%). This variant has not been reported in the literature in individuals affected with BAP1-related conditions. ClinVar contains an entry for this variant (Variation ID: 2907045). Invitae Evidence Modeling of protein sequence and biophysical properties (such as structural, functional, and spatial information, amino acid conservation, physicochemical variation, residue mobility, and thermodynamic stability) indicates that this missense variant is not expected to disrupt BAP1 protein function with a negative predictive value of 80%. In summary, the available evidence is currently insufficient to determine the role of this variant in disease. Therefore, it has been classified as a Variant of Uncertain Significance.

NM_004656.4(BAP1):c.1706T>C (p.Val569Ala)

Gene: BAP1 (BRCA1 associated deubiquitinase 1; minus strand). Cytogenetic location: 3p21.1.
Variant type: single nucleotide variant.
Coding change: c.1706T>C on transcript NM_004656.4 (MANE Select); coding-DNA position 1706, T replaced by C.
Protein change: p.Val569Ala; replaces valine 569 with alanine.
Molecular consequence: missense variant.
Genome position (GRCh38, 1-based): chr3:52,403,439, A>G on the plus strand (T>C on the coding strand, the complement: BAP1 is on the minus strand). VCF-style: chr3-52403439-A-G. GRCh37 (hg19) VCF-style: chr3-52437455-A-G.
Other names: c.1652T>C, p.Val551Ala (NM_001410772.1); short protein forms V569A, V551A.
Identifiers: ClinVar variation 2907045 (VCV002907045.3), dbSNP rs1372457109, ClinGen allele CA353099666.